The following is an entry in ClinVar:

ClinVar aggregate classification (germline): Uncertain significance. Review status: criteria provided, multiple submitters, no conflicts (2 of 4 stars). 2 submissions from 2 submitters: Uncertain significance (2). Last evaluated 2024-02-29.

Conditions:
GLUT1 deficiency syndrome 1, autosomal recessive. Identifiers: MedGen C3149117.

Submissions (2):

Blueprint Genetics
Classification: Uncertain significance. Last evaluated: 2024-02-29. Review status: criteria provided, single submitter. Criteria: ACMG Guidelines, 2015. Collection method: clinical testing. Allele origin: germline.

Labcorp Genetics (formerly Invitae), Labcorp
Classification: Uncertain significance for GLUT1 deficiency syndrome 1, autosomal recessive. Last evaluated: 2023-04-19. Review status: criteria provided, single submitter. Criteria: Invitae Variant Classification Sherloc (09022015). Collection method: clinical testing. Allele origin: germline.
Comment: This variant is not present in population databases (gnomAD no frequency). In summary, the available evidence is currently insufficient to determine the role of this variant in disease. Therefore, it has been classified as a Variant of Uncertain Significance. Advanced modeling of protein sequence and biophysical properties (such as structural, functional, and spatial information, amino acid conservation, physicochemical variation, residue mobility, and thermodynamic stability) performed at Invitae indicates that this missense variant is expected to disrupt SLC2A1 protein function. ClinVar contains an entry for this variant (Variation ID: 406882). This variant has not been reported in the literature in individuals affected with SLC2A1-related conditions. This sequence change replaces valine, which is neutral and non-polar, with alanine, which is neutral and non-polar, at codon 322 of the SLC2A1 protein (p.Val322Ala).

NM_006516.4(SLC2A1):c.965T>C (p.Val322Ala)

Gene: SLC2A1 (solute carrier family 2 member 1; minus strand). Cytogenetic location: 1p34.2.
Variant type: single nucleotide variant.
Coding change: c.965T>C on transcript NM_006516.4 (MANE Select); coding-DNA position 965, T replaced by C.
Protein change: p.Val322Ala; replaces valine 322 with alanine.
Molecular consequence: missense variant.
Genome position (GRCh38, 1-based): chr1:42,929,217, A>G on the plus strand (T>C on the coding strand, the complement: SLC2A1 is on the minus strand). VCF-style: chr1-42929217-A-G. GRCh37 (hg19) VCF-style: chr1-43394888-A-G.
Other names: short protein forms V322A.
Identifiers: ClinVar variation 406882 (VCV000406882.10), dbSNP rs1060501354, ClinGen allele CA16610098.